The following is an entry in ClinVar:

ClinVar aggregate classification (germline): Uncertain significance (1 of 4 stars; one submission).

Conditions:
Epilepsy. Also called: Seizure disorder. Identifiers: MedGen C0014544, MeSH D004827, MONDO:0005027.

Allele frequency attached by ClinVar (database versions not stated): TOPMed 0.00003; gnomAD 0.00004; gnomAD exomes 0.00001; ExAC 0.00001; 1000 Genomes Project 30x 0.00016.
gnomAD v4.1: 24 of 1,606,370 alleles (0.0015%); highest among the groups gnomAD compares: East Asian, 0.0022%; no homozygotes.

Submission:

Labcorp Genetics (formerly Invitae), Labcorp
Classification: Uncertain significance for Epilepsy. Last evaluated: 2025-04-21. Review status: criteria provided, single submitter. Criteria: Invitae Variant Classification Sherloc (09022015). Collection method: clinical testing. Allele origin: germline.
Comment: This sequence change replaces glutamic acid, which is acidic and polar, with lysine, which is basic and polar, at codon 74 of the PIGQ protein (p.Glu74Lys). The frequency data for this variant in the population databases is considered unreliable, as metrics indicate poor data quality at this position in the gnomAD database. This variant has not been reported in the literature in individuals affected with PIGQ-related conditions. ClinVar contains an entry for this variant (Variation ID: 1014211). An algorithm developed to predict the effect of missense changes on protein structure and function (PolyPhen-2) suggests that this variant is likely to be tolerated. In summary, the available evidence is currently insufficient to determine the role of this variant in disease. Therefore, it has been classified as a Variant of Uncertain Significance.

NM_004204.5(PIGQ):c.220G>A (p.Glu74Lys)

Gene: PIGQ (phosphatidylinositol glycan anchor biosynthesis class Q; plus strand). Cytogenetic location: 16p13.3.
Variant type: single nucleotide variant.
Coding change: c.220G>A on transcript NM_004204.5 (MANE Select); coding-DNA position 220, G replaced by A.
Protein change: p.Glu74Lys; replaces glutamic acid 74 with lysine.
Molecular consequence: missense variant.
Genome position (GRCh38, 1-based): chr16:574,294, G>A. VCF-style: chr16-574294-G-A. GRCh37 (hg19) VCF-style: chr16-624294-G-A.
Other names: c.220G>A, p.Glu74Lys (NM_148920.4); short protein forms E74K.
Identifiers: ClinVar variation 1014211 (VCV001014211.3), dbSNP rs776641714, ClinGen allele CA7779812.
Genomic context (GRCh38, chr16:574,294, plus strand): 5'-CAGGCCAGCCAGGTGGGCGTGGCCGTGCTGGGCACCTGGTGCCACTGCCGGCAGGAGCCC[G>A]AGGAGAGCCTGGGCCGCTTCCTGGAGAGCCTGGGTGCTGTCTTCCCCCATGAGCCCTGGC-3'
Protein context (NP_004195.2, residues 64-84): GTWCHCRQEP[Glu74Lys]ESLGRFLESL